The following is an entry in ClinVar:

ClinVar aggregate classification (germline): Likely pathogenic (1 of 4 stars; one submission).

gnomAD v4.1: 1 of 1,611,624 alleles (0.000062%); highest among the groups gnomAD compares: Non-Finnish European, 0.000085%; no homozygotes.

Submission:

Mayo Clinic Laboratories, Mayo Clinic
Classification: Likely pathogenic. Last evaluated: 2024-08-22. Review status: criteria provided, single submitter. Criteria: ACMG Guidelines, 2015. Collection method: clinical testing. Allele origin: germline. Observed: 1 variant allele.
Comment: PM2, PM3_supporting, PVS1

NM_000053.4(ATP7B):c.530C>A (p.Ser177Ter)

Gene: ATP7B (ATPase copper transporting beta; minus strand). Cytogenetic location: 13q14.3.
Variant type: single nucleotide variant.
Coding change: c.530C>A on transcript NM_000053.4 (MANE Select); coding-DNA position 530, C replaced by A.
Protein change: p.Ser177Ter; replaces serine 177 with a stop codon.
Molecular consequence: nonsense.
Genome position (GRCh38, 1-based): chr13:51,974,690, G>T on the plus strand (C>A on the coding strand, the complement: ATP7B is on the minus strand). VCF-style: chr13-51974690-G-T. GRCh37 (hg19) VCF-style: chr13-52548826-G-T.
Other names: p.Ser177*; c.530C>A, p.Ser177Ter (NM_001005918.3, NM_001243182.2, NM_001330578.2 and 30 more transcripts); c.434C>A, p.Ser145Ter (NM_001406517.1, NM_001406518.1, NM_001406530.1 and 4 more transcripts); short protein forms S145*, S177*.
Identifiers: ClinVar variation 3381100 (VCV003381100.1).
Genomic context (GRCh38, chr13:51,974,690, plus strand): 5'-AGGTCTTCGGGCTGAATGAGATAAGGCTGATAAGTGATGACGGCCTCTTGGTTGCTGAGT[G>T]AGACTTTGACTCTCACTACTCCTTGCAGTTTCCGGACCTTGCCTTCAATGGAGCTGACAC-3'